The following is an entry in ClinVar:

ClinVar aggregate classification (germline): Uncertain significance. Review status: criteria provided, multiple submitters, no conflicts (2 of 4 stars). 2 submissions from 2 submitters: Uncertain significance (2). Last evaluated 2023-10-26.

Conditions:
Hereditary cancer-predisposing syndrome. Also called: Hereditary neoplastic syndrome; Neoplastic Syndromes, Hereditary; Tumor predisposition; Hereditary Cancer Syndrome. Identifiers: Orphanet 140162, MedGen C0027672, MeSH D009386, MONDO:0015356.
Tumor predisposition syndrome 3 (TPDS3). Also called: Melanoma, cutaneous malignant, susceptibility to, 10; Glioma susceptibility 9; LONG TELOMERE SYNDROME, POT1-RELATED; POT1 Tumor Predisposition. Identifiers: Orphanet 618, MedGen C4014476, MONDO:0014368, OMIM 615848.

gnomAD v4.1: 1 of 1,611,562 alleles (0.000062%); highest among the groups gnomAD compares: Non-Finnish European, 0.000085%; no homozygotes.

Submissions (2):

Ambry Genetics
Classification: Uncertain significance for Hereditary cancer-predisposing syndrome. Last evaluated: 2023-10-26. Review status: criteria provided, single submitter. Criteria: Ambry Variant Classification Scheme 2023. Collection method: clinical testing. Allele origin: germline.
Comment: The p.N300H variant (also known as c.898A>C), located in coding exon 7 of the POT1 gene, results from an A to C substitution at nucleotide position 898. The asparagine at codon 300 is replaced by histidine, an amino acid with similar properties. This variant has been reported in individuals with multiple primary melanomas (M&uuml;ller C et al. G3 (Bethesda), 2018 May;8:1475-1480; Ambry internal data). This amino acid position is poorly conserved in available vertebrate species. In addition, this alteration is predicted to be tolerated by in silico analysis. Since supporting evidence is limited at this time, the clinical significance of this alteration remains unclear.

Labcorp Genetics (formerly Invitae), Labcorp
Classification: Uncertain significance for Tumor predisposition syndrome 3. Last evaluated: 2023-02-03. Review status: criteria provided, single submitter. Criteria: Invitae Variant Classification Sherloc (09022015). Collection method: clinical testing. Allele origin: germline.
Comment: In summary, the available evidence is currently insufficient to determine the role of this variant in disease. Therefore, it has been classified as a Variant of Uncertain Significance. Advanced modeling of protein sequence and biophysical properties (such as structural, functional, and spatial information, amino acid conservation, physicochemical variation, residue mobility, and thermodynamic stability) performed at Invitae indicates that this missense variant is not expected to disrupt POT1 protein function. This missense change has been observed in individual(s) with clinical features of POT1-related conditions (PMID: 29523635). This variant is not present in population databases (gnomAD no frequency). This sequence change replaces asparagine, which is neutral and polar, with histidine, which is basic and polar, at codon 300 of the POT1 protein (p.Asn300His).

Literature cited by the submitters: PubMed 29523635 (cited by Ambry Genetics and Labcorp Genetics (formerly Invitae), Labcorp).

NM_015450.3(POT1):c.898A>C (p.Asn300His)

Gene: POT1 (protection of telomeres 1; minus strand). Cytogenetic location: 7q31.33.
Variant type: single nucleotide variant.
Coding change: c.898A>C on transcript NM_015450.3 (MANE Select); coding-DNA position 898, A replaced by C.
Protein change: p.Asn300His; replaces asparagine 300 with histidine.
Molecular consequence: missense variant. On other transcripts: non-coding transcript variant (3).
Genome position (GRCh38, 1-based): chr7:124,851,923, T>G on the plus strand (A>C on the coding strand, the complement: POT1 is on the minus strand). VCF-style: chr7-124851923-T-G. GRCh37 (hg19) VCF-style: chr7-124491977-T-G.
Other names: c.505A>C, p.Asn169His (NM_001042594.2); c.898A>C (NM_015450.2); short protein forms N169H, N300H.
Identifiers: ClinVar variation 2910215 (VCV002910215.4), dbSNP rs774946163, ClinGen allele CA369054441.